The following is an entry in ClinVar:

ClinVar aggregate classification (germline): Benign. Review status: criteria provided, multiple submitters, no conflicts (2 of 4 stars). 3 submissions from 3 submitters: Benign (3). Last evaluated 2018-12-01.

Conditions:
Peroxisome biogenesis disorder 7A (Zellweger). Also called: Peroxisome biogenesis disorder 7A. Identifiers: Orphanet 912, MedGen C3888385, MONDO:0013938, OMIM 614872.

Allele frequency attached by ClinVar (database versions not stated): 1000 Genomes Project 30x 0.05653; 1000 Genomes Project 0.05831; TOPMed 0.09536; gnomAD 0.09790 and 0.10068.
gnomAD v4.1: 54,306 of 533,968 alleles (10%); highest among the groups gnomAD compares: Non-Finnish European, 13%; 3,362 homozygotes.

Submissions (3):

GeneDx
Classification: Benign. Last evaluated: 2018-12-01. Review status: criteria provided, single submitter. Criteria: GeneDx Variant Classification Process June 2021. Collection method: clinical testing. Allele origin: germline. Affected: yes.

Illumina Laboratory Services, Illumina
Classification: Benign for Peroxisome biogenesis disorder 7A (Zellweger). Last evaluated: 2018-01-13. Review status: criteria provided, single submitter. Criteria: ICSL Variant Classification Criteria 13 December 2019. Collection method: clinical testing. Allele origin: germline.
Comment: This variant was observed in the ICSL laboratory as part of a predisposition screen in an ostensibly healthy population. It had not been previously curated by ICSL or reported in the Human Gene Mutation Database (HGMD: prior to June 1st, 2018), and was therefore a candidate for classification through an automated scoring system. Utilizing variant allele frequency, disease prevalence and penetrance estimates, and inheritance mode, an automated score was calculated to assess if this variant is too frequent to cause the disease. Based on the score and internal cut-off values, a variant classified as benign is not then subjected to further curation. The score for this variant resulted in a classification of benign for this disease.

Breakthrough Genomics
Classification: Benign. Review status: criteria provided, single submitter. Criteria: ACMG Guidelines, 2015. Collection method: not provided. Allele origin: germline. Inheritance: Autosomal recessive inheritance. Affected: yes.

NM_001127649.3(PEX26):c.-318A>G

Genes: PEX26 (peroxisomal biogenesis factor 26; plus strand), LOC130066939 (ATAC-STARR-seq lymphoblastoid active region 18648; plus strand). Cytogenetic location: 22q11.21.
Variant type: single nucleotide variant.
Coding change: c.-318A>G on transcript NM_001127649.3 (MANE Select); 318 bases upstream of the start codon, A replaced by G.
Molecular consequence: 5 prime UTR variant. On other transcripts: intron variant (2).
Genome position (GRCh38, 1-based): chr22:18,078,059, A>G. VCF-style: chr22-18078059-A-G. GRCh37 (hg19) VCF-style: chr22-18560825-A-G.
Other names: c.-82+12A>G (NM_017929.6, NM_001199319.2).
Identifiers: ClinVar variation 340749 (VCV000340749.9), dbSNP rs62239019, ClinGen allele CA10653847.
Genomic context (GRCh38, chr22:18,078,059, plus strand): 5'-CGGGGCTGGGCGAGCGCAAAGATGTCCGCGCCCGCTGCCGGGAGGCGAGGTGAGTCTTTG[A>G]TCGTAACCAGGAGCCCGGAGCTGAGGCAGTTCCTGCACGTGTCGCGGGGCCGGAGAAGCT-3'